The following is an entry in ClinVar:

ClinVar aggregate classification (germline): Uncertain significance (1 of 4 stars; one submission).

Conditions:
Cardiovascular phenotype. Identifiers: MedGen CN230736.

Allele frequency attached by ClinVar (database versions not stated): gnomAD exomes below 0.00001.
gnomAD v4.1: 1 of 1,607,998 alleles (0.000062%); highest among the groups gnomAD compares: Non-Finnish European, 0.000085%; no homozygotes.

Submission:

Ambry Genetics
Classification: Uncertain significance for Cardiovascular phenotype. Last evaluated: 2023-10-23. Review status: criteria provided, single submitter. Criteria: Ambry Variant Classification Scheme 2023. Collection method: clinical testing. Allele origin: germline.
Comment: The p.E812K variant (also known as c.2434G>A), located in coding exon 15 of the SOS1 gene, results from a G to A substitution at nucleotide position 2434. The glutamic acid at codon 812 is replaced by lysine, an amino acid with similar properties. This amino acid position is conserved. In addition, the in silico prediction for this alteration is inconclusive. Since supporting evidence is limited at this time, the clinical significance of this alteration remains unclear.

NM_005633.4(SOS1):c.2434G>A (p.Glu812Lys)

Gene: SOS1 (SOS Ras/Rac guanine nucleotide exchange factor 1; minus strand). Cytogenetic location: 2p22.1.
Variant type: single nucleotide variant.
Coding change: c.2434G>A on transcript NM_005633.4 (MANE Select); coding-DNA position 2434, G replaced by A.
Protein change: p.Glu812Lys; replaces glutamic acid 812 with lysine.
Molecular consequence: missense variant.
Genome position (GRCh38, 1-based): chr2:39,010,660, C>T on the plus strand (G>A on the coding strand, the complement: SOS1 is on the minus strand). VCF-style: chr2-39010660-C-T. GRCh37 (hg19) VCF-style: chr2-39237801-C-T.
Other names: c.2413G>A, p.Glu805Lys (NM_001382394.1); c.2434G>A, p.Glu812Lys (NM_001382395.1); short protein forms E805K, E812K.
Identifiers: ClinVar variation 3224882 (VCV003224882.1), dbSNP rs2528985155, ClinGen allele CA346363874.